The following is an entry in ClinVar:

ClinVar aggregate classification (germline): Conflicting classifications of pathogenicity. Review status: criteria provided, conflicting classifications (1 of 4 stars). 5 submissions from 4 submitters: Uncertain significance (3); Likely benign (1). 1 of the submissions does not count toward it. Last evaluated 2025-11-11.

Conditions:
Greig cephalopolysyndactyly syndrome (GCPS). Also called: Greig syndrome; POLYSYNDACTYLY WITH PECULIAR SKULL SHAPE; GLI3-Related Greig Cephalopolysyndactyly Syndrome. Identifiers: Orphanet 380, MedGen C0265306, MONDO:0008287, OMIM 175700.
Pallister-Hall syndrome (PHS). Also called: HYPOTHALAMIC HAMARTOBLASTOMA, HYPOPITUITARISM, IMPERFORATE ANUS, AND POSTAXIAL POLYDACTYLY; GLI3-Related Pallister-Hall Syndrome. Identifiers: Orphanet 672, MedGen C0265220, MONDO:0007804, OMIM 146510.
Polysyndactyly 4. Also called: Polysyndactyly uncomplicated; Preaxial polydactyly 4. Identifiers: Orphanet 93338, MedGen C1868111, MONDO:0008272, OMIM 174700.
Polydactyly, postaxial, type A1. Identifiers: MedGen C4282400, MONDO:0008266, OMIM 174200.
Polydactyly. Also called: polydactylism. Identifiers: MedGen C0152427, MONDO:0021003, OMIM 603596, HP:0010442.
GLI3-related disorder. Also called: GLI3-related disorders; GLI3-related condition. Identifiers: MedGen CN239292.

Allele frequency attached by ClinVar (database versions not stated): gnomAD 0.00003 and 0.00001; gnomAD exomes 0.00005 and 0.00003; TOPMed 0.00001; ExAC 0.00003; 1000 Genomes Project 0.00020; 1000 Genomes Project 30x 0.00047.
gnomAD v4.1: 79 of 1,614,022 alleles (0.0049%); highest among the groups gnomAD compares: Non-Finnish European, 0.0058%; no homozygotes.

Submissions (5):

Dasa
Classification: Likely benign. Last evaluated: 2025-11-11. Review status: criteria provided, single submitter. Criteria: DASA Assertion Criteria. Collection method: clinical testing. Allele origin: germline.
Comment: NM_000168.6(GLI3):c.2375G>A (p.Arg792Gln) is a missense variant that results in the substitution of arginine with glutamine. The variant context is inconsistent with a known disease-causing mechanism. Computational prediction algorithms are consistent with a benign effect. Therefore, based on the currently available evidence, this variant is classified as likely benign.

Fulgent Genetics
Classification: Uncertain significance for Pallister-Hall syndrome; Polydactyly, postaxial, type A1; Polysyndactyly 4; Greig cephalopolysyndactyly syndrome. Last evaluated: 2024-04-16. Review status: criteria provided, single submitter. Criteria: ACMG Guidelines, 2015. Collection method: clinical testing. Allele origin: germline.

Illumina Laboratory Services, Illumina
Classification: Uncertain significance for Greig cephalopolysyndactyly syndrome. Last evaluated: 2018-01-12. Review status: criteria provided, single submitter. Criteria: ICSL Variant Classification Criteria 13 December 2019. Collection method: clinical testing. Allele origin: germline.

Illumina Laboratory Services, Illumina
Classification: Uncertain significance for Polydactyly. Last evaluated: 2018-01-12. Review status: criteria provided, single submitter. Criteria: ICSL Variant Classification Criteria 13 December 2019. Collection method: clinical testing. Allele origin: germline.

PreventionGenetics, part of Exact Sciences
Classification: Uncertain significance for GLI3-related condition. Last evaluated: 2024-07-10. Review status: no assertion criteria provided. Collection method: clinical testing. Allele origin: germline. Not counted in ClinVar's aggregate classification.
Comment: The GLI3 c.2375G>A variant is predicted to result in the amino acid substitution p.Arg792Gln. To our knowledge, this variant has not been reported in the literature. This variant is reported in 0.0056% of alleles in individuals of Latino descent in gnomAD. At this time, the clinical significance of this variant is uncertain due to the absence of conclusive functional and genetic evidence.

NM_000168.6(GLI3):c.2375G>A (p.Arg792Gln)

Gene: GLI3 (GLI family zinc finger 3; minus strand). Cytogenetic location: 7p14.1.
Variant type: single nucleotide variant.
Coding change: c.2375G>A on transcript NM_000168.6 (MANE Select); coding-DNA position 2375, G replaced by A.
Protein change: p.Arg792Gln; replaces arginine 792 with glutamine.
Molecular consequence: missense variant.
Genome position (GRCh38, 1-based): chr7:41,967,652, C>T on the plus strand (G>A on the coding strand, the complement: GLI3 is on the minus strand). VCF-style: chr7-41967652-C-T. GRCh37 (hg19) VCF-style: chr7-42007250-C-T.
Other names: short protein forms R792Q.
Identifiers: ClinVar variation 909108 (VCV000909108.8), dbSNP rs546878700, ClinGen allele CA4230631.